The following is an entry in ClinVar:

NM_000059.4(BRCA2):c.1766dup (p.Phe590fs)

Gene: BRCA2 (BRCA2 DNA repair associated; plus strand). Cytogenetic location: 13q13.1.
Variant type: Duplication.
Coding change: c.1766dup on transcript NM_000059.4 (MANE Select); coding-DNA position 1766, one base duplicated (A; older notation c.1766dupA).
Protein change: p.Phe590fs; shifts the reading frame from phenylalanine 590.
Molecular consequence: frameshift variant.
Genome position (GRCh38, 1-based): chr13:32,333,244, A duplicated; the last of 2 consecutive A bases (chr13:32,333,243-32,333,244); duplicating either gives the same sequence. VCF-style (leftmost placement, unchanged base first): chr13-32333242-T-TA. GRCh37 (hg19) VCF-style: chr13-32907379-T-TA.
Other names: c.1766dupA (NM_000059.3); c.1766dup (NM_000059.3); short protein forms F590fs.
Identifiers: ClinVar variation 1439264 (VCV001439264.9), dbSNP rs2137474660, ClinGen allele CA2499222086.
Genomic context (GRCh38, chr13:32,333,242, plus strand): 5'-ACAGAATTCTGTAGCTTTGAAGAATGCAGGTTTAATATCCACTTTGAAAAAGAAAACAAA[T>TA]AAGTTTATTTATGCTATACATGATGAAACATCTTATAAAGGAAAAAAAATACCGAAAGAC-3'

ClinVar aggregate classification (germline): Pathogenic. Review status: criteria provided, multiple submitters, no conflicts (2 of 4 stars). 3 submissions from 3 submitters: Pathogenic (3). Last evaluated 2025-08-07.

Conditions:
Hereditary breast ovarian cancer syndrome. Also called: Hereditary breast and ovarian cancer syndrome; Breast and ovarian cancer; Hereditary breast and ovarian cancer syndrome (HBOC); Hereditary breast and ovarian cancer; Hereditary breast and/or ovarian cancer syndrome; BRCA1- and BRCA2-Associated Hereditary Breast and Ovarian Cancer. Identifiers: Orphanet 145, MedGen C0677776, MeSH D061325, MONDO:0003582. Disease mechanism: loss of function.
Wilms tumor 1 (WT1). Also called: Wilms tumor, somatic. Identifiers: Orphanet 654, MedGen CN033288, MONDO:0008679, OMIM 194070.
Familial prostate cancer. Also called: Hereditary Prostate Cancer. Identifiers: MedGen C2931456, MONDO:0700275, OMIM 176807.
Familial cancer of breast. Also called: BREAST CANCER, FAMILIAL; Hereditary breast cancer; hereditary breast carcinoma. Identifiers: Orphanet 227535, MedGen C0346153, MONDO:0016419, OMIM 114480. Disease mechanism: loss of function.
Breast-ovarian cancer, familial, susceptibility to, 2 (BROVCA2). Also called: BRCA2 Hereditary Breast and Ovarian Cancer. Identifiers: Orphanet 145, MedGen C2675520, MONDO:0012933, OMIM 612555. Disease mechanism: loss of function.
Glioma susceptibility 3 (GLM3). Also called: Glioblastoma 3. Identifiers: Orphanet 182067, Orphanet 360, MedGen C2751641, MONDO:0013093, OMIM 613029.
Medulloblastoma (MDB). Also called: MEDULLOBLASTOMA PREDISPOSITION SYNDROME; Medulloblastoma, somatic. Identifiers: Orphanet 616, MedGen C0025149, MeSH D008527, MONDO:0007959, OMIM 155255, HP:0002885.
Pancreatic cancer, susceptibility to, 2. Identifiers: Orphanet 1333, MedGen C3150546, MONDO:0013235, OMIM 613347.
Fanconi anemia complementation group D1. Also called: BRCA2-Related Fanconi Anemia. Identifiers: Orphanet 319462, MedGen C1838457, MONDO:0011584, OMIM 605724.
Hereditary cancer-predisposing syndrome. Also called: Hereditary Cancer Syndrome; Hereditary neoplastic syndrome; Neoplastic Syndromes, Hereditary; Tumor predisposition. Identifiers: Orphanet 140162, MedGen C0027672, MeSH D009386, MONDO:0015356.

Submissions (3):

Labcorp Genetics (formerly Invitae), Labcorp
Classification: Pathogenic for Hereditary breast ovarian cancer syndrome. Last evaluated: 2025-08-07. Review status: criteria provided, single submitter. Criteria: Invitae Variant Classification Sherloc (09022015). Collection method: clinical testing. Allele origin: germline.
Comment: This sequence change creates a premature translational stop signal (p.Phe590Valfs*7) in the BRCA2 gene. It is expected to result in an absent or disrupted protein product. Loss-of-function variants in BRCA2 are known to be pathogenic (PMID: 20104584). This variant is not present in population databases (gnomAD no frequency). This premature translational stop signal has been observed in individual(s) with breast and/or ovarian cancer (PMID: 29470806). ClinVar contains an entry for this variant (Variation ID: 1439264). RNA analysis performed to evaluate the impact of this premature translational stop signal on mRNA splicing indicates it does not significantly alter splicing (internal data). For these reasons, this variant has been classified as Pathogenic.

Ambry Genetics
Classification: Pathogenic for Hereditary cancer-predisposing syndrome. Last evaluated: 2021-11-15. Review status: criteria provided, single submitter. Criteria: Ambry Variant Classification Scheme 2023. Collection method: clinical testing. Allele origin: germline.
Comment: The c.1766dupA pathogenic mutation, located in coding exon 9 of the BRCA2 gene, results from a duplication of A at nucleotide position 1766, causing a translational frameshift with a predicted alternate stop codon (p.F590Vfs*7). This variant is considered to be rare based on population cohorts in the Genome Aggregation Database (gnomAD). This alteration is expected to result in loss of function by premature protein truncation or nonsense-mediated mRNA decay. As such, this alteration is interpreted as a disease-causing mutation.

Department of Pathology and Laboratory Medicine, Sinai Health System
Classification: Pathogenic for Familial cancer of breast; Medulloblastoma; Familial prostate cancer; Wilms tumor 1; Fanconi anemia complementation group D1; Breast-ovarian cancer, familial, susceptibility to, 2; Glioma susceptibility 3; Pancreatic cancer, susceptibility to, 2. Last evaluated: 2021-01-15. Review status: criteria provided, single submitter. Criteria: ACMG Guidelines, 2015. Collection method: clinical testing. Allele origin: germline.

Literature cited by the submitters: PubMed 20104584 (cited by Labcorp Genetics (formerly Invitae), Labcorp); PubMed 29470806 (cited by Labcorp Genetics (formerly Invitae), Labcorp).